The following is an entry in ClinVar:

NM_014847.4(UBAP2L):c.872C>T (p.Thr291Ile)

Gene: UBAP2L (ubiquitin associated protein 2 like; plus strand). Cytogenetic location: 1q21.3.
Variant type: single nucleotide variant.
Coding change: c.872C>T on transcript NM_014847.4 (MANE Select); coding-DNA position 872, C replaced by T.
Protein change: p.Thr291Ile; replaces threonine 291 with isoleucine.
Molecular consequence: missense variant.
Genome position (GRCh38, 1-based): chr1:154,246,233, C>T. VCF-style: chr1-154246233-C-T. GRCh37 (hg19) VCF-style: chr1-154218709-C-T.
Other names: c.872C>T, p.Thr291Ile (NM_001127320.3, NM_001375614.1, NM_001375615.1 and 14 more transcripts); c.851C>T, p.Thr284Ile (NM_001287815.1); c.905C>T, p.Thr302Ile (NM_001287816.1, NM_001330730.1, NM_001375612.1 and 2 more transcripts); short protein forms T291I, T302I, T284I.
Identifiers: ClinVar variation 5008393 (VCV005008393.1).
Genomic context (GRCh38, chr1:154,246,233, plus strand): 5'-CTTCATGAAGATCCCTTCCCTTCCCCATTAGAATTGACCTTGCTGTTCTGCTGGGGAAGA[C>T]ACCATCTACAATGGAGAATGATTCATCTAATCTGGATCCGTCTCAGGCTCCTTCTCTGGC-3'
Protein context (NP_055662.3, residues 281-301): RIDLAVLLGK[Thr291Ile]PSTMENDSSN

ClinVar aggregate classification (germline): Uncertain significance (1 of 4 stars; one submission).

Submission:

GeneDx
Classification: Uncertain significance. Last evaluated: 2026-03-02. Review status: criteria provided, single submitter. Criteria: GeneDx Variant Classification Process June 2021. Collection method: clinical testing. Allele origin: germline.
Comment: Not observed at significant frequency in large population cohorts (gnomAD); In silico analysis suggests that this missense variant does not alter protein structure/function; Has not been previously published as pathogenic or benign to our knowledge